The following is an entry in ClinVar:

NM_000268.4(NF2):c.447+6C>T

Gene: NF2 (NF2, moesin-ezrin-radixin like (MERLIN) tumor suppressor; plus strand). Cytogenetic location: 22q12.2.
Variant type: single nucleotide variant.
Coding change: c.447+6C>T on transcript NM_000268.4 (MANE Select); 6 bases into the intron after coding-DNA position 447, C replaced by T.
Molecular consequence: intron variant.
Genome position (GRCh38, 1-based): chr22:29,642,291, C>T. VCF-style: chr22-29642291-C-T. GRCh37 (hg19) VCF-style: chr22-30038280-C-T.
Other names: c.447+6C>T (NM_016418.5, NM_181832.3, NM_181833.3 and 1 more transcripts); c.324+6C>T (NM_181829.3); c.321+6C>T (NM_181828.3); c.198+6C>T (NM_181830.3, NM_181831.3).
Identifiers: ClinVar variation 859445 (VCV000859445.11), dbSNP rs777369699, ClinGen allele CA033460.

ClinVar aggregate classification (germline): Benign/Likely benign. Review status: criteria provided, multiple submitters, no conflicts (2 of 4 stars). 2 submissions from 2 submitters: Benign (1); Likely benign (1). Last evaluated 2026-01-21.

Conditions:
Neurofibromatosis, type 2 (SWNV). Also called: BILATERAL ACOUSTIC NEUROFIBROMATOSIS; SCHWANNOMATOSIS, VESTIBULAR; NF2-Related Schwannomatosis. Identifiers: Orphanet 637, MedGen C0027832, MONDO:0007039, OMIM 101000. Disease mechanism: loss of function.

Allele frequency attached by ClinVar (database versions not stated): gnomAD exomes below 0.00001; ExAC 0.00001.

Submissions (2):

Labcorp Genetics (formerly Invitae), Labcorp
Classification: Benign for Neurofibromatosis, type 2. Last evaluated: 2026-01-21. Review status: criteria provided, single submitter. Criteria: Invitae Variant Classification Sherloc (09022015). Collection method: clinical testing. Allele origin: germline.

All of Us Research Program, National Institutes of Health
Classification: Likely benign for Neurofibromatosis, type 2. Last evaluated: 2023-06-08. Review status: criteria provided, single submitter. Criteria: ACMG Guidelines, 2015. Collection method: clinical testing. Allele origin: germline. Inheritance: Autosomal dominant inheritance. Observed: 1 variant allele, 1 heterozygote.
Comment: This study involves interpretation of variants in research participants for the purpose of population health screening. Participant phenotype was not available at the time of variant classification. Additional details can be found in publication PMID: 35346344, PMCID: PMC8962531